The following is an entry in ClinVar:

NM_004974.4(KCNA2):c.1392T>G (p.Gly464=)

Gene: KCNA2 (potassium voltage-gated channel subfamily A member 2; minus strand). Cytogenetic location: 1p13.3.
Variant type: single nucleotide variant.
Coding change: c.1392T>G on transcript NM_004974.4 (MANE Select); coding-DNA position 1392, T replaced by G.
Protein change: p.Gly464=; no amino-acid change (glycine 464 retained).
Molecular consequence: synonymous variant. On other transcripts: intron variant (1).
Genome position (GRCh38, 1-based): chr1:110,603,391, A>C on the plus strand (T>G on the coding strand, the complement: KCNA2 is on the minus strand). VCF-style: chr1-110603391-A-C. GRCh37 (hg19) VCF-style: chr1-111146013-A-C.
Other names: p.Gly464=; c.894+498T>G (NM_001204269.2).
Identifiers: ClinVar variation 447616 (VCV000447616.26), dbSNP rs115456625, ClinGen allele CA1000627.

ClinVar aggregate classification (germline): Benign/Likely benign. Review status: criteria provided, multiple submitters, no conflicts (2 of 4 stars). 8 submissions from 8 submitters: Benign (6); Likely benign (1). 1 of the submissions does not count toward it. Last evaluated 2026-02-03.

Conditions:
Inborn genetic diseases. Identifiers: MedGen C0950123, MeSH D030342.
Developmental and epileptic encephalopathy, 32 (DEE32). Also called: Epileptic encephalopathy, early infantile, 32. Identifiers: Orphanet 442835, MedGen C4225350, MONDO:0014607, OMIM 616366.
KCNA2-related disorder. Also called: KCNA2-related condition.

Allele frequency attached by ClinVar (database versions not stated): gnomAD exomes 0.00081 and 0.00229; ExAC 0.00273; 1000 Genomes Project 0.00819; 1000 Genomes Project 30x 0.00859; ESP Exome Variant Server 0.00915; gnomAD 0.00917 and 0.00993; TOPMed 0.01022.
gnomAD v4.1: 2,618 of 1,614,078 alleles (0.16%); highest among the groups gnomAD compares: African/African-American, 3.2%; 39 homozygotes.

Submissions (9):

Labcorp Genetics (formerly Invitae), Labcorp
Classification: Benign for Developmental and epileptic encephalopathy, 32. Last evaluated: 2026-02-03. Review status: criteria provided, single submitter. Criteria: Invitae Variant Classification Sherloc (09022015). Collection method: clinical testing. Allele origin: germline.

Athena Diagnostics
Classification: Benign. Last evaluated: 2024-12-24. Review status: criteria provided, single submitter. Criteria: Athena Diagnostics Criteria. Collection method: clinical testing. Allele origin: unknown.
Comment: The frequency of this variant in the general population is higher than would generally be expected for pathogenic variants in this gene. Computational tools yielded predictions that this variant is unlikely to have an effect on normal RNA splicing. This nucleotide position exhibits low evolutionary conservation.

Mayo Clinic Laboratories, Mayo Clinic
Classification: Benign. Last evaluated: 2023-06-09. Review status: criteria provided, single submitter. Criteria: ACMG Guidelines, 2015. Collection method: clinical testing. Allele origin: germline. Observed: 4 variant alleles.
Comment: BS1, BS2, BP4, BP7

Fulgent Genetics
Classification: Likely benign for Developmental and epileptic encephalopathy, 32. Last evaluated: 2021-09-13. Review status: criteria provided, single submitter. Criteria: ACMG Guidelines, 2015. Collection method: clinical testing. Allele origin: unknown.

GeneDx
Classification: Benign. Last evaluated: 2019-11-04. Review status: criteria provided, single submitter. Criteria: GeneDx Variant Classification Process June 2021. Collection method: clinical testing. Allele origin: germline. Affected: yes.

Ambry Genetics
Classification: Benign for Inborn genetic diseases. Last evaluated: 2016-12-12. Review status: criteria provided, single submitter. Criteria: Ambry Variant Classification Scheme 2023. Collection method: clinical testing. Allele origin: germline.

Breakthrough Genomics
Classification: Benign. Review status: criteria provided, single submitter. Criteria: ACMG Guidelines, 2015. Collection method: not provided. Allele origin: germline. Inheritance: Autosomal dominant inheritance. Affected: yes.

PreventionGenetics, part of Exact Sciences
Classification: Benign for KCNA2-related condition. Last evaluated: 2021-06-30. Review status: no assertion criteria provided. Collection method: clinical testing. Allele origin: germline. Not counted in ClinVar's aggregate classification.
Comment: This variant is classified as benign based on ACMG/AMP sequence variant interpretation guidelines (Richards et al. 2015 PMID: 25741868, with internal and published modifications).

Dr. Peter K. Rogan Lab, Western University
No classification provided (evidence only). Condition: Clear cell carcinoma of kidney. Review status: no classification provided. Collection method: in vitro. Allele origin: not applicable. Functional consequence: retained intron. Not counted in ClinVar's aggregate classification.